The following is an entry in ClinVar:

NM_005732.4(RAD50):c.1452+6A>C

Gene: RAD50 (RAD50 double strand break repair protein; plus strand). Cytogenetic location: 5q31.1.
Variant type: single nucleotide variant.
Coding change: c.1452+6A>C on transcript NM_005732.4 (MANE Select); 6 bases into the intron after coding-DNA position 1452, A replaced by C.
Molecular consequence: intron variant.
Genome position (GRCh38, 1-based): chr5:132,589,843, A>C. VCF-style: chr5-132589843-A-C. GRCh37 (hg19) VCF-style: chr5-131925535-A-C.
Identifiers: ClinVar variation 2054981 (VCV002054981.4), dbSNP rs1750667641, ClinGen allele CA1081651185.
Genomic context (GRCh38, chr5:132,589,843, plus strand): 5'-GTTGGAAGGATCTTCAGACAGGATTCTTGAACTGGACCAGGAGCTCATAAAAGCTGTAAG[A>C]TATTGTTTGAATAATCTAATAATTTTAAGATATAATACTTTTAGAAGTATTTTGTCTATT-3'

ClinVar aggregate classification (germline): Uncertain significance (1 of 4 stars; one submission).

Conditions:
Hereditary cancer-predisposing syndrome. Also called: Tumor predisposition; Hereditary Cancer Syndrome; Neoplastic Syndromes, Hereditary; Hereditary neoplastic syndrome. Identifiers: Orphanet 140162, MedGen C0027672, MeSH D009386, MONDO:0015356.

Allele frequency attached by ClinVar (database versions not stated): gnomAD 0.00001.
gnomAD v4.1: 1 of 1,601,938 alleles (0.000062%); highest among the groups gnomAD compares: Non-Finnish European, 0.000085%; no homozygotes.

Submission:

Labcorp Genetics (formerly Invitae), Labcorp
Classification: Uncertain significance for Hereditary cancer-predisposing syndrome. Last evaluated: 2021-12-23. Review status: criteria provided, single submitter. Criteria: Invitae Variant Classification Sherloc (09022015). Collection method: clinical testing. Allele origin: germline.
Comment: In summary, the available evidence is currently insufficient to determine the role of this variant in disease. Therefore, it has been classified as a Variant of Uncertain Significance. Variants that disrupt the consensus splice site are a relatively common cause of aberrant splicing (PMID: 17576681, 9536098). Algorithms developed to predict the effect of sequence changes on RNA splicing suggest that this variant is not likely to affect RNA splicing. This variant has not been reported in the literature in individuals affected with RAD50-related conditions. This variant is not present in population databases (gnomAD no frequency). This sequence change falls in intron 9 of the RAD50 gene. It does not directly change the encoded amino acid sequence of the RAD50 protein. It affects a nucleotide within the consensus splice site.

Literature cited by the submitters: PubMed 17576681; PubMed 9536098.